The following is an entry in ClinVar:

ClinVar aggregate classification (germline): Conflicting classifications of pathogenicity. Review status: criteria provided, conflicting classifications (1 of 4 stars). 2 submissions from 2 submitters: Uncertain significance (1); Likely benign (1). Last evaluated 2025-08-01.

Conditions:
Inborn genetic diseases. Identifiers: MedGen C0950123, MeSH D030342.

gnomAD v4.1: 2 of 1,609,626 alleles (0.00012%); highest among the groups gnomAD compares: Non-Finnish European, 0.00017%; no homozygotes.

Submissions (2):

Ambry Genetics
Classification: Likely benign for Inborn genetic diseases. Last evaluated: 2025-08-01. Review status: criteria provided, single submitter. Criteria: Ambry Variant Classification Scheme 2023. Collection method: clinical testing. Allele origin: germline.

GeneDx
Classification: Uncertain significance. Last evaluated: 2024-11-06. Review status: criteria provided, single submitter. Criteria: GeneDx Variant Classification Process June 2021. Collection method: clinical testing. Allele origin: germline. Affected: yes.
Comment: Not observed at significant frequency in large population cohorts (gnomAD); In silico analysis indicates that this missense variant does not alter protein structure/function; Has not been previously published as pathogenic or benign to our knowledge

NM_144991.3(TSPEAR):c.62A>G (p.Gln21Arg)

Gene: TSPEAR (thrombospondin type laminin G domain and EAR repeats; minus strand). Cytogenetic location: 21q22.3.
Variant type: single nucleotide variant.
Coding change: c.62A>G on transcript NM_144991.3 (MANE Select); coding-DNA position 62, A replaced by G.
Protein change: p.Gln21Arg; replaces glutamine 21 with arginine.
Molecular consequence: missense variant. On other transcripts: 5 prime UTR variant (1).
Genome position (GRCh38, 1-based): chr21:44,711,453, T>C on the plus strand (A>G on the coding strand, the complement: TSPEAR is on the minus strand). VCF-style: chr21-44711453-T-C. GRCh37 (hg19) VCF-style: chr21-46131368-T-C.
Other names: c.-205A>G (NM_001272037.2); short protein forms Q21R.
Identifiers: ClinVar variation 3898926 (VCV003898926.2).
Genomic context (GRCh38, chr21:44,711,453, plus strand): 5'-GCAAGATACCCCCGCCCGAGTTCCCATGCCCCTGCCTTACCTGTGCAGGGCTCCCAACCC[T>C]GCGTGCCGTGGCCGGGGGCCGCCAGGGGCAGCACAAAACACAGACTCAGCAGGGCAGACA-3'
Protein context (NP_659428.2, residues 11-31): LPLAAPGHGT[Gln21Arg]GWEPCTDLRP